The following is an entry in ClinVar:

NM_001127208.3(TET2):c.1448A>C (p.Asn483Thr)

Genes: TET2 (tet methylcytosine dioxygenase 2; plus strand), TET2-AS1 (TET2 antisense RNA 1; minus strand). Cytogenetic location: 4q24.
Variant type: single nucleotide variant.
Coding change: c.1448A>C on transcript NM_001127208.3 (MANE Select); coding-DNA position 1448, A replaced by C.
Protein change: p.Asn483Thr; replaces asparagine 483 with threonine.
Molecular consequence: missense variant.
Genome position (GRCh38, 1-based): chr4:105,235,390, A>C. VCF-style: chr4-105235390-A-C. GRCh37 (hg19) VCF-style: chr4-106156547-A-C.
Other names: c.1448A>C, p.Asn483Thr (NM_017628.4); short protein forms N483T.
Identifiers: ClinVar variation 3805974 (VCV003805974.1).
Genomic context (GRCh38, chr4:105,235,390, plus strand): 5'-CTAATCCATCTACACATGTATGCAGCCCTTCTCCGATGCTTTCTGAAAGGCCTCAGAATA[A>C]TTGTGTGAACAGGAATGACATACAGACTGCAGGGACAATGACTGTTCCATTGTGTTCTGA-3'
Protein context (NP_001120680.1, residues 473-493): SPMLSERPQN[Asn483Thr]CVNRNDIQTA

ClinVar aggregate classification (germline): Uncertain significance (1 of 4 stars; one submission).

gnomAD v4.1: 15 of 1,614,196 alleles (0.00093%); highest among the groups gnomAD compares: Non-Finnish European, 0.0013%; no homozygotes.

Submission:

Ambry Genetics
Classification: Uncertain significance. Last evaluated: 2025-01-17. Review status: criteria provided, single submitter. Criteria: Ambry Variant Classification Scheme 2023. Collection method: clinical testing. Allele origin: germline.
Comment: The p.N483T variant (also known as c.1448A>C), located in coding exon 1 of the TET2 gene, results from an A to C substitution at nucleotide position 1448. The asparagine at codon 483 is replaced by threonine, an amino acid with similar properties. This amino acid position is conserved. In addition, this alteration is predicted to be tolerated by in silico analysis. Based on the available evidence, the clinical significance of this variant remains unclear.